The following is an entry in ClinVar:

ClinVar aggregate classification (germline): Uncertain significance. Review status: criteria provided, multiple submitters, no conflicts (2 of 4 stars). 3 submissions from 3 submitters: Uncertain significance (3). Last evaluated 2024-03-01.

Conditions:
Spastic paraplegia. Identifiers: MedGen C0037772, HP:0001258.

Allele frequency attached by ClinVar (database versions not stated): gnomAD exomes 0.00004; gnomAD 0.00005; TOPMed 0.00005; ExAC 0.00004.
gnomAD v4.1: 80 of 1,613,928 alleles (0.005%); highest among the groups gnomAD compares: South Asian, 0.0099%; no homozygotes.

Submissions (3):

Athena Diagnostics
Classification: Uncertain significance. Last evaluated: 2024-03-01. Review status: criteria provided, single submitter. Criteria: Athena Diagnostics Criteria. Collection method: clinical testing. Allele origin: unknown.
Comment: Available data are insufficient to determine the clinical significance of the variant at this time. The frequency of this variant in the general population is uninformative in assessment of its pathogenicity. Computational tools predict that this variant is not damaging.

Labcorp Genetics (formerly Invitae), Labcorp
Classification: Uncertain significance for Spastic paraplegia. Last evaluated: 2022-04-13. Review status: criteria provided, single submitter. Criteria: Invitae Variant Classification Sherloc (09022015). Collection method: clinical testing. Allele origin: germline.
Comment: This sequence change replaces arginine, which is basic and polar, with glutamine, which is neutral and polar, at codon 755 of the ZFYVE26 protein (p.Arg755Gln). This variant is present in population databases (rs772679356, gnomAD 0.01%). This variant has not been reported in the literature in individuals affected with ZFYVE26-related conditions. ClinVar contains an entry for this variant (Variation ID: 216690). Algorithms developed to predict the effect of missense changes on protein structure and function output the following: SIFT: "Deleterious"; PolyPhen-2: "Benign"; Align-GVGD: "Class C0". The glutamine amino acid residue is found in multiple mammalian species, which suggests that this missense change does not adversely affect protein function. In summary, the available evidence is currently insufficient to determine the role of this variant in disease. Therefore, it has been classified as a Variant of Uncertain Significance.

Eurofins Ntd Llc (ga)
Classification: Uncertain significance. Last evaluated: 2016-01-08. Review status: criteria provided, single submitter. Criteria: EGL Classification Definitions 2015. Collection method: clinical testing. Allele origin: germline. Observed: 1 variant allele, 1 heterozygote.

NM_015346.4(ZFYVE26):c.2264G>A (p.Arg755Gln)

Gene: ZFYVE26 (zinc finger FYVE-type containing 26; minus strand). Cytogenetic location: 14q24.1.
Variant type: single nucleotide variant.
Coding change: c.2264G>A on transcript NM_015346.4 (MANE Select); coding-DNA position 2264, G replaced by A.
Protein change: p.Arg755Gln; replaces arginine 755 with glutamine.
Molecular consequence: missense variant.
Genome position (GRCh38, 1-based): chr14:67,797,740, C>T on the plus strand (G>A on the coding strand, the complement: ZFYVE26 is on the minus strand). VCF-style: chr14-67797740-C-T. GRCh37 (hg19) VCF-style: chr14-68264457-C-T.
Other names: short protein forms R755Q.
Identifiers: ClinVar variation 216690 (VCV000216690.8), dbSNP rs772679356, ClinGen allele CA338226.